The following is an entry in ClinVar:

ClinVar aggregate classification (germline): Uncertain significance (1 of 4 stars; one submission).

gnomAD v4.1: 27 of 1,613,942 alleles (0.0017%); highest among the groups gnomAD compares: Non-Finnish European, 0.0018%; no homozygotes.

Submission:

Labcorp Genetics (formerly Invitae), Labcorp
Classification: Uncertain significance. Last evaluated: 2025-11-17. Review status: criteria provided, single submitter. Criteria: Invitae Variant Classification Sherloc (09022015). Collection method: clinical testing. Allele origin: germline.
Comment: This sequence change replaces alanine, which is neutral and non-polar, with valine, which is neutral and non-polar, at codon 743 of the MACF1 protein (p.Ala743Val). The frequency data for this variant in the population databases is considered unreliable, as metrics indicate poor data quality at this position in the gnomAD database. This variant has not been reported in the literature in individuals affected with MACF1-related conditions. An algorithm developed to predict the effect of missense changes on protein structure and function (PolyPhen-2) suggests that this variant is likely to be disruptive. In summary, the available evidence is currently insufficient to determine the role of this variant in disease. Therefore, it has been classified as a Variant of Uncertain Significance.

NM_001394062.1(MACF1):c.2213C>T (p.Ala738Val)

Gene: MACF1 (microtubule actin crosslinking factor 1; plus strand). Cytogenetic location: 1p34.3.
Variant type: single nucleotide variant.
Coding change: c.2213C>T on transcript NM_001394062.1 (MANE Select); coding-DNA position 2213, C replaced by T.
Protein change: p.Ala738Val; replaces alanine 738 with valine.
Molecular consequence: missense variant.
Genome position (GRCh38, 1-based): chr1:39,295,104, C>T. VCF-style: chr1-39295104-C-T. GRCh37 (hg19) VCF-style: chr1-39760776-C-T.
Other names: c.2228C>T, p.Ala743Val (NM_012090.5); short protein forms A743V, A738V.
Identifiers: ClinVar variation 4705463 (VCV004705463.1).